The following is an entry in ClinVar:

NM_001134831.2(AHI1):c.1024G>A (p.Asp342Asn)

Gene: AHI1 (Abelson helper integration site 1; minus strand). Cytogenetic location: 6q23.3.
Variant type: single nucleotide variant.
Coding change: c.1024G>A on transcript NM_001134831.2 (MANE Select); coding-DNA position 1024, G replaced by A.
Protein change: p.Asp342Asn; replaces aspartic acid 342 with asparagine.
Molecular consequence: missense variant.
Genome position (GRCh38, 1-based): chr6:135,457,621, C>T on the plus strand (G>A on the coding strand, the complement: AHI1 is on the minus strand). VCF-style: chr6-135457621-C-T. GRCh37 (hg19) VCF-style: chr6-135778759-C-T.
Other names: c.1024G>A, p.Asp342Asn (NM_001134830.2, NM_001134832.2, NM_001350503.2 and 2 more transcripts); short protein forms D342N.
Identifiers: ClinVar variation 1056282 (VCV001056282.9), dbSNP rs2128081643, ClinGen allele CA365747846.

ClinVar aggregate classification (germline): Uncertain significance (1 of 4 stars; one submission).

Conditions:
Joubert syndrome. Also called: Familial aplasia of the vermis; CEREBELLOPARENCHYMAL DISORDER IV; JOUBERT-BOLTSHAUSER SYNDROME. Identifiers: Orphanet 475, MedGen C5979921, MONDO:0018772.

Submission:

Labcorp Genetics (formerly Invitae), Labcorp
Classification: Uncertain significance for Joubert syndrome. Last evaluated: 2022-01-06. Review status: criteria provided, single submitter. Criteria: Invitae Variant Classification Sherloc (09022015). Collection method: clinical testing. Allele origin: germline.
Comment: This variant has not been reported in the literature in individuals affected with AHI1-related conditions. This variant is not present in population databases (gnomAD no frequency). This sequence change replaces aspartic acid, which is acidic and polar, with asparagine, which is neutral and polar, at codon 342 of the AHI1 protein (p.Asp342Asn). ClinVar contains an entry for this variant (Variation ID: 1056282). In summary, the available evidence is currently insufficient to determine the role of this variant in disease. Therefore, it has been classified as a Variant of Uncertain Significance. Advanced modeling of protein sequence and biophysical properties (such as structural, functional, and spatial information, amino acid conservation, physicochemical variation, residue mobility, and thermodynamic stability) performed at Invitae indicates that this missense variant is not expected to disrupt AHI1 protein function.